The following is an entry in ClinVar:

ClinVar aggregate classification (germline): Uncertain significance (1 of 4 stars; one submission).

Conditions:
Dyskeratosis congenita. Identifiers: Orphanet 1775, MedGen C0265965, MONDO:0015780.

Submission:

Ambry Genetics
Classification: Uncertain significance for Dyskeratosis congenita. Last evaluated: 2024-11-01. Review status: criteria provided, single submitter. Criteria: Ambry Variant Classification Scheme 2023. Collection method: clinical testing. Allele origin: germline.
Comment: The p.V1087I variant (also known as c.3259G>A), located in coding exon 15 of the TERT gene, results from a G to A substitution at nucleotide position 3259. The valine at codon 1087 is replaced by isoleucine, an amino acid with highly similar properties. This amino acid position is conserved. In addition, this alteration is predicted to be tolerated by in silico analysis. Based on the available evidence, the clinical significance of this variant remains unclear.

NM_198253.3(TERT):c.3259G>A (p.Val1087Ile)

Gene: TERT (telomerase reverse transcriptase; minus strand). Cytogenetic location: 5p15.33.
Variant type: single nucleotide variant.
Coding change: c.3259G>A on transcript NM_198253.3 (MANE Select); coding-DNA position 3259, G replaced by A.
Protein change: p.Val1087Ile; replaces valine 1087 with isoleucine.
Molecular consequence: missense variant. On other transcripts: non-coding transcript variant (2).
Genome position (GRCh38, 1-based): chr5:1,254,404, C>T on the plus strand (G>A on the coding strand, the complement: TERT is on the minus strand). VCF-style: chr5-1254404-C-T. GRCh37 (hg19) VCF-style: chr5-1254519-C-T.
Other names: c.3070G>A, p.Val1024Ile (NM_001193376.3); short protein forms V1087I, V1024I.
Identifiers: ClinVar variation 3455212 (VCV003455212.1).